The following is an entry in ClinVar:

NM_018896.5(CACNA1G):c.4297C>T (p.Leu1433Phe)

Gene: CACNA1G (calcium voltage-gated channel subunit alpha1 G; plus strand). Cytogenetic location: 17q21.33.
Variant type: single nucleotide variant.
Coding change: c.4297C>T on transcript NM_018896.5 (MANE Select); coding-DNA position 4297, C replaced by T.
Protein change: p.Leu1433Phe; replaces leucine 1433 with phenylalanine.
Molecular consequence: missense variant. On other transcripts: non-coding transcript variant (5).
Genome position (GRCh38, 1-based): chr17:50,605,898, C>T. VCF-style: chr17-50605898-C-T. GRCh37 (hg19) VCF-style: chr17-48683259-C-T.
Other names: c.4297C>T, p.Leu1433Phe (NM_001256324.2, NM_001256325.2, NM_001256326.2 and 16 more transcripts); c.4228C>T, p.Leu1410Phe (NM_001256332.2, NM_198376.3, NM_198379.3 and 5 more transcripts); short protein forms L1410F, L1433F.
Identifiers: ClinVar variation 4854879 (VCV004854879.1).

ClinVar aggregate classification (germline): Uncertain significance (1 of 4 stars; one submission).

Conditions:
Spinocerebellar ataxia type 42. Identifiers: Orphanet 458803, MedGen C4225205, MONDO:0014776, OMIM 616795.

Submission:

3billion
Classification: Uncertain significance for Spinocerebellar ataxia type 42. Last evaluated: 2025-10-08. Review status: criteria provided, single submitter. Criteria: ACMG Guidelines, 2015. Collection method: clinical testing. Allele origin: germline. Affected: yes.
Comment: The variant is not observed in the gnomAD v4.1.0 dataset. Predicted Consequence/Location: Missense variant. Missense changes are a common disease-causing mechanism. In silico tool predictions suggest damaging effect of the variant on gene or gene product [REVEL: 0.94 (>=0.6, sensitivity 0.68 and specificity 0.92)]. Therefore, this variant is classified as VUS according to the recommendation of ACMG/AMP guideline.